The following is an entry in ClinVar:

ClinVar aggregate classification (germline): Uncertain significance (1 of 4 stars; one submission).

Submission:

Labcorp Genetics (formerly Invitae), Labcorp
Classification: Uncertain significance. Last evaluated: 2024-01-31. Review status: criteria provided, single submitter. Criteria: Invitae Variant Classification Sherloc (09022015). Collection method: clinical testing. Allele origin: germline.
Comment: This sequence change creates a premature translational stop signal (p.Phe330Leufs*2) in the DTHD1 gene. It is expected to result in an absent or disrupted protein product. However, the current clinical and genetic evidence is not sufficient to establish whether loss-of-function variants in DTHD1 cause disease. This variant is present in population databases (no rsID available, gnomAD no frequency). This variant has not been reported in the literature in individuals affected with DTHD1-related conditions. ClinVar contains an entry for this variant (Variation ID: 841261). In summary, the available evidence is currently insufficient to determine the role of this variant in disease. Therefore, it has been classified as a Variant of Uncertain Significance.

NM_001170700.3(DTHD1):c.1860del (p.Phe620fs)

Gene: DTHD1 (death domain containing 1; plus strand). Cytogenetic location: 4p14.
Variant type: Deletion.
Coding change: c.1860del on transcript NM_001170700.3 (MANE Select); coding-DNA position 1860, one base deleted (T; older notation c.1860delT).
Protein change: p.Phe620fs; shifts the reading frame from phenylalanine 620.
Molecular consequence: frameshift variant. On other transcripts: non-coding transcript variant (2).
Genome position (GRCh38, 1-based): chr4:36,308,258, T deleted; the last of 4 consecutive T bases (chr4:36,308,255-36,308,258); deleting any one gives the same sequence. VCF-style (leftmost placement, unchanged base first): chr4-36308254-CT-C. GRCh37 (hg19) VCF-style: chr4-36309876-CT-C.
Other names: c.990del, p.Phe330fs (NM_001136536.5); c.927del, p.Phe309fs (NM_001378435.1); short protein forms F330fs, F309fs, F620fs.
Identifiers: ClinVar variation 841261 (VCV000841261.7), dbSNP rs1472500022, ClinGen allele CA551141816.